The following is an entry in ClinVar:

NM_032861.4(SERAC1):c.91A>G (p.Arg31Gly)

Gene: SERAC1 (serine active site containing 1; minus strand). Cytogenetic location: 6q25.3.
Variant type: single nucleotide variant.
Coding change: c.91A>G on transcript NM_032861.4 (MANE Select); coding-DNA position 91, A replaced by G.
Protein change: p.Arg31Gly; replaces arginine 31 with glycine.
Molecular consequence: missense variant. On other transcripts: non-coding transcript variant (1).
Genome position (GRCh38, 1-based): chr6:158,158,273, T>C on the plus strand (A>G on the coding strand, the complement: SERAC1 is on the minus strand). VCF-style: chr6-158158273-T-C. GRCh37 (hg19) VCF-style: chr6-158579305-T-C.
Other names: p.Arg31Gly; short protein forms R31G.
Identifiers: ClinVar variation 575862 (VCV000575862.9), dbSNP rs146896149, ClinGen allele CA4071480.

ClinVar aggregate classification (germline): Uncertain significance. Review status: criteria provided, multiple submitters, no conflicts (2 of 4 stars). 2 submissions from 2 submitters: Uncertain significance (2). Last evaluated 2023-07-27.

Conditions:
3-methylglutaconic aciduria with deafness, encephalopathy, and Leigh-like syndrome (MEGDEL). Also called: 3-METHYLGLUTACONIC ACIDURIA, TYPE VI; MEGDEL syndrome; SERAC1 Deficiency. Identifiers: Orphanet 352328, MedGen C4040739, MONDO:0013875, OMIM 614739.

Allele frequency attached by ClinVar (database versions not stated): ExAC 0.00012; ESP Exome Variant Server 0.00031; gnomAD exomes 0.00004 and 0.00008; TOPMed 0.00031; gnomAD 0.00032 and 0.00034; 1000 Genomes Project 0.00040; 1000 Genomes Project 30x 0.00047.
gnomAD v4.1: 113 of 1,599,634 alleles (0.0071%); highest among the groups gnomAD compares: African/African-American, 0.096%; no homozygotes.

Submissions (2):

Mayo Clinic Laboratories, Mayo Clinic
Classification: Uncertain significance. Last evaluated: 2023-07-27. Review status: criteria provided, single submitter. Criteria: ACMG Guidelines, 2015. Collection method: clinical testing. Allele origin: germline. Observed: 2 variant alleles.
Comment: PM2_moderate

Labcorp Genetics (formerly Invitae), Labcorp
Classification: Uncertain significance for 3-methylglutaconic aciduria with deafness, encephalopathy, and Leigh-like syndrome. Last evaluated: 2023-07-17. Review status: criteria provided, single submitter. Criteria: Invitae Variant Classification Sherloc (09022015). Collection method: clinical testing. Allele origin: germline.
Comment: This sequence change replaces arginine, which is basic and polar, with glycine, which is neutral and non-polar, at codon 31 of the SERAC1 protein (p.Arg31Gly). This variant is present in population databases (rs146896149, gnomAD 0.08%). This variant has not been reported in the literature in individuals affected with SERAC1-related conditions. ClinVar contains an entry for this variant (Variation ID: 575862). An algorithm developed to predict the effect of missense changes on protein structure and function (PolyPhen-2) suggests that this variant¬†is likely to be tolerated. In summary, the available evidence is currently insufficient to determine the role of this variant in disease. Therefore, it has been classified as a Variant of Uncertain Significance.